The following is an entry in ClinVar:

ClinVar aggregate classification (germline): Uncertain significance (1 of 4 stars; one submission).

Submission:

Labcorp Genetics (formerly Invitae), Labcorp
Classification: Uncertain significance. Last evaluated: 2022-07-30. Review status: criteria provided, single submitter. Criteria: Invitae Variant Classification Sherloc (09022015). Collection method: clinical testing. Allele origin: germline.
Comment: In summary, the available evidence is currently insufficient to determine the role of this variant in disease. Therefore, it has been classified as a Variant of Uncertain Significance. Algorithms developed to predict the effect of missense changes on protein structure and function are either unavailable or do not agree on the potential impact of this missense change (SIFT: "Tolerated"; PolyPhen-2: "Possibly Damaging"; Align-GVGD: "Class C0"). This variant has not been reported in the literature in individuals affected with CEP97-related conditions. This variant is not present in population databases (gnomAD no frequency). This sequence change replaces valine, which is neutral and non-polar, with phenylalanine, which is neutral and non-polar, at codon 845 of the CEP97 protein (p.Val845Phe).

NM_024548.4(CEP97):c.2533G>T (p.Val845Phe)

Gene: CEP97 (centrosomal protein 97; plus strand). Cytogenetic location: 3q12.3.
Variant type: single nucleotide variant.
Coding change: c.2533G>T on transcript NM_024548.4 (MANE Select); coding-DNA position 2533, G replaced by T.
Protein change: p.Val845Phe; replaces valine 845 with phenylalanine.
Molecular consequence: missense variant.
Genome position (GRCh38, 1-based): chr3:101,765,486, G>T. VCF-style: chr3-101765486-G-T. GRCh37 (hg19) VCF-style: chr3-101484330-G-T.
Other names: c.2356G>T, p.Val786Phe (NM_001303401.2); c.2431G>T, p.Val811Phe (NM_001410784.1); c.2254G>T, p.Val752Phe (NM_001410785.1); short protein forms V752F, V786F, V845F, V811F.
Identifiers: ClinVar variation 2020730 (VCV002020730.4), dbSNP rs2545853788, ClinGen allele CA353882562.